The following is an entry in ClinVar:

NM_006846.4(SPINK5):c.133C>T (p.Pro45Ser)

Gene: SPINK5 (serine peptidase inhibitor Kazal type 5; plus strand). Cytogenetic location: 5q32.
Variant type: single nucleotide variant.
Coding change: c.133C>T on transcript NM_006846.4 (MANE Select); coding-DNA position 133, C replaced by T.
Protein change: p.Pro45Ser; replaces proline 45 with serine.
Molecular consequence: missense variant.
Genome position (GRCh38, 1-based): chr5:148,070,374, C>T. VCF-style: chr5-148070374-C-T. GRCh37 (hg19) VCF-style: chr5-147449937-C-T.
Other names: c.133C>T, p.Pro45Ser (NM_001127698.2, NM_001127699.2); short protein forms P45S.
Identifiers: ClinVar variation 2188755 (VCV002188755.6), dbSNP rs1025545434, ClinGen allele CA361888340.

ClinVar aggregate classification (germline): Conflicting classifications of pathogenicity. Review status: criteria provided, conflicting classifications (1 of 4 stars). 2 submissions from 2 submitters: Uncertain significance (1); Likely benign (1). Last evaluated 2023-07-25.

Conditions:
Inborn genetic diseases. Identifiers: MedGen C0950123, MeSH D030342.
Ichthyosis linearis circumflexa. Identifiers: MedGen C0265962, MONDO:0043106, HP:0025810.

Allele frequency attached by ClinVar (database versions not stated): gnomAD exomes 0.00003.
gnomAD v4.1: 41 of 1,612,728 alleles (0.0025%); highest among the groups gnomAD compares: Non-Finnish European, 0.0034%; no homozygotes.

Submissions (2):

Ambry Genetics
Classification: Likely benign for Inborn genetic diseases. Last evaluated: 2023-07-25. Review status: criteria provided, single submitter. Criteria: Ambry Variant Classification Scheme 2023. Collection method: clinical testing. Allele origin: germline.

Labcorp Genetics (formerly Invitae), Labcorp
Classification: Uncertain significance for Ichthyosis linearis circumflexa. Last evaluated: 2022-06-18. Review status: criteria provided, single submitter. Criteria: Invitae Variant Classification Sherloc (09022015). Collection method: clinical testing. Allele origin: germline.
Comment: In summary, the available evidence is currently insufficient to determine the role of this variant in disease. Therefore, it has been classified as a Variant of Uncertain Significance. Algorithms developed to predict the effect of missense changes on protein structure and function output the following: SIFT: "Tolerated"; PolyPhen-2: "Benign"; Align-GVGD: "Class C0". The serine amino acid residue is found in multiple mammalian species, which suggests that this missense change does not adversely affect protein function. This variant has not been reported in the literature in individuals affected with SPINK5-related conditions. This variant is not present in population databases (gnomAD no frequency). This sequence change replaces proline, which is neutral and non-polar, with serine, which is neutral and polar, at codon 45 of the SPINK5 protein (p.Pro45Ser).